The following is an entry in ClinVar:

ClinVar aggregate classification (germline): Likely benign (1 of 4 stars; one submission).

gnomAD v4.1: 1 of 1,614,120 alleles (0.000062%); highest among the groups gnomAD compares: Admixed American, 0.0017%; no homozygotes.

Submission:

CeGaT Center for Human Genetics Tuebingen
Classification: Likely benign. Last evaluated: 2025-12-01. Review status: criteria provided, single submitter. Criteria: CeGaT Center For Human Genetics Tuebingen Variant Classification Criteria Version 2. Collection method: clinical testing. Allele origin: germline. Affected: yes. Observed: 1 variant allele.
Comment: TTBK2: BP4, BP7

NM_173500.4(TTBK2):c.1914A>G (p.Glu638=)

Gene: TTBK2 (tau tubulin kinase 2; minus strand). Cytogenetic location: 15q15.2.
Variant type: single nucleotide variant.
Coding change: c.1914A>G on transcript NM_173500.4 (MANE Select); coding-DNA position 1914, A replaced by G.
Protein change: p.Glu638=; no amino-acid change (glutamic acid 638 retained).
Molecular consequence: synonymous variant.
Genome position (GRCh38, 1-based): chr15:42,775,219, T>C on the plus strand (A>G on the coding strand, the complement: TTBK2 is on the minus strand). VCF-style: chr15-42775219-T-C. GRCh37 (hg19) VCF-style: chr15-43067417-T-C.
Identifiers: ClinVar variation 4681620 (VCV004681620.5).